The following is an entry in ClinVar:

NM_001972.4(ELANE):c.752A>C (p.Asp251Ala)

Gene: ELANE (elastase, neutrophil expressed; plus strand). Cytogenetic location: 19p13.3.
Variant type: single nucleotide variant.
Coding change: c.752A>C on transcript NM_001972.4 (MANE Select); coding-DNA position 752, A replaced by C.
Protein change: p.Asp251Ala; replaces aspartic acid 251 with alanine.
Molecular consequence: missense variant.
Genome position (GRCh38, 1-based): chr19:856,112, A>C. VCF-style: chr19-856112-A-C. GRCh37 (hg19) VCF-style: chr19-856112-A-C.
Other names: short protein forms D251A.
Identifiers: ClinVar variation 948155 (VCV000948155.12), dbSNP rs2035677886, ClinGen allele CA402919406.

ClinVar aggregate classification (germline): Uncertain significance (1 of 4 stars; one submission).

Conditions:
Cyclical neutropenia. Also called: Cyclic Neutropenia; Cyclic hematopoiesis. Identifiers: Orphanet 2686, MedGen C0221023, MONDO:0008090, OMIM 162800, HP:0040289. Disease mechanism: loss of function.
Neutropenia, severe congenital, 1, autosomal dominant. Identifiers: MedGen C1859966, MONDO:0042490, OMIM 202700.

Submission:

Labcorp Genetics (formerly Invitae), Labcorp
Classification: Uncertain significance for Neutropenia, severe congenital, 1, autosomal dominant; Cyclical neutropenia. Last evaluated: 2019-07-23. Review status: criteria provided, single submitter. Criteria: Invitae Variant Classification Sherloc (09022015). Collection method: clinical testing. Allele origin: germline.
Comment: Algorithms developed to predict the effect of missense changes on protein structure and function (SIFT, PolyPhen-2, Align-GVGD) all suggest that this variant is likely to be tolerated, but these predictions have not been confirmed by published functional studies and their clinical significance is uncertain. In summary, the available evidence is currently insufficient to determine the role of this variant in disease. Therefore, it has been classified as a Variant of Uncertain Significance. This variant has not been reported in the literature in individuals with ELANE-related conditions. This variant is not present in population databases (ExAC no frequency). This sequence change replaces aspartic acid with alanine at codon 251 of the ELANE protein (p.Asp251Ala). The aspartic acid residue is weakly conserved and there is a moderate physicochemical difference between aspartic acid and alanine.